The following is an entry in ClinVar:

ClinVar aggregate classification (germline): Conflicting classifications of pathogenicity. Review status: criteria provided, conflicting classifications (1 of 4 stars). 5 submissions from 5 submitters: Uncertain significance (3); Likely benign (1). 1 of the submissions does not count toward it. Last evaluated 2026-08-07.

Conditions:
Renal carnitine transport defect (CDSP). Also called: Systemic primary carnitine deficiency disease; CARNITINE DEFICIENCY, SYSTEMIC, DUE TO DEFECT IN RENAL REABSORPTION OF CARNITINE; CARNITINE TRANSPORTER, PLASMA-MEMBRANE, DEFICIENCY OF; CARNITINE UPTAKE DEFECT; Primary carnitine deficiency; Systemic primary carnitine deficiency. Identifiers: Orphanet 158, MedGen C0342788, MONDO:0008919, OMIM 212140.
Decreased circulating carnitine concentration. Also called: Decreased plasma carnitine. Identifiers: MedGen C5848230, HP:0003234.

Allele frequency attached by ClinVar (database versions not stated): gnomAD exomes 0.00003 and 0.00011; TOPMed 0.00005; gnomAD 0.00007 and 0.00009; ExAC 0.00012; 1000 Genomes Project 30x 0.00031; 1000 Genomes Project 0.00040.
gnomAD v4.1: 55 of 1,614,184 alleles (0.0034%); highest among the groups gnomAD compares: East Asian, 0.08%; no homozygotes.

Submissions (5):

Myriad Genetics, Inc.
Classification: Uncertain significance for Renal carnitine transport defect. Last evaluated: 2026-08-07. Review status: criteria provided, single submitter. Criteria: Myriad Autosomal Dominant, Autosomal Recessive and X-Linked Classification Criteria (2023). Collection method: clinical testing. Allele origin: unknown.
Comment: NM_003060.3(SLC22A5):c.415G>A(D139N) is a missense variant classified as a variant of uncertain significance in the context of primary carnitine deficiency. D139N has been observed in a case with relevant disease (PMID: 41620002, 41136988, Zhao_2025_(Article), Shen_2026_(Article)). Relevant functional assessments of this variant are available in the literature (PMID: 36343260). D139N has been observed in referenced population frequency databases. In summary, there is insufficient evidence to classify NM_003060.3(SLC22A5):c.415G>A(D139N) as pathogenic or benign. Please note: this variant was assessed in the context of healthy population screening.

Labcorp Genetics (formerly Invitae), Labcorp
Classification: Likely benign for Renal carnitine transport defect. Last evaluated: 2026-01-14. Review status: criteria provided, single submitter. Criteria: Invitae Variant Classification Sherloc (09022015). Collection method: clinical testing. Allele origin: germline.

Giacomini Lab, University of California, San Francisco
Classification: Uncertain significance for Renal carnitine transport defect. Last evaluated: 2022-10-03. Review status: criteria provided, single submitter. Criteria: ACMG Guidelines, 2015. Collection method: research, in vitro. Allele origin: germline, not applicable.

Department of Endocrinology and Genetics, Fuzhou Children’s Hospital of Fujian Medical University
Classification: Uncertain significance for Renal carnitine transport defect. Review status: criteria provided, single submitter. Criteria: ACMG Guidelines, 2015. Collection method: research. Allele origin: maternal. Inheritance: Autosomal recessive inheritance. Affected: yes. Observed: 1 compound heterozygote.
Comment: The c.415G>A mutation in the SLC22A5 gene is a missense mutation resulting in the substitution of the amino acid aspartic acid with asparagine at position 139 (p.D139N). The frequency of this mutation in normal populations is very low, as reported in the ExAC, gnomAD, and 1000 Genomes databases, suggesting that it is not a polymorphic site. Currently, there are no literature reports available on this mutation. According to the ACMG guidelines, this variant is classified as a variant of uncertain significance (VUS).

Natera, Inc.
Classification: Uncertain significance for Carnitine deficiency. Last evaluated: 2020-03-17. Review status: no assertion criteria provided. Collection method: clinical testing. Allele origin: germline. Not counted in ClinVar's aggregate classification.

Literature cited by the submitters: PubMed 36343260 (cited by Myriad Genetics, Inc.); PubMed 17594400 (cited by Department of Endocrinology and Genetics, Fuzhou Children’s Hospital of Fujian Medical University).

NM_003060.4(SLC22A5):c.415G>A (p.Asp139Asn)

Gene: SLC22A5 (solute carrier family 22 member 5; plus strand). Cytogenetic location: 5q31.1.
Variant type: single nucleotide variant.
Coding change: c.415G>A on transcript NM_003060.4 (MANE Select); coding-DNA position 415, G replaced by A.
Protein change: p.Asp139Asn; replaces aspartic acid 139 with asparagine.
Molecular consequence: missense variant.
Genome position (GRCh38, 1-based): chr5:132,378,399, G>A. VCF-style: chr5-132378399-G-A. GRCh37 (hg19) VCF-style: chr5-131714091-G-A.
Other names: p.Asp139Asn; c.487G>A, p.Asp163Asn (NM_001308122.2); short protein forms D139N, D163N.
Identifiers: ClinVar variation 581208 (VCV000581208.17), dbSNP rs577131769, ClinGen allele CA3403885.
Genomic context (GRCh38, chr5:132,378,399, plus strand): 5'-AAAGAAGTGAATGATACACCCCCTTTGCTCATCTTGCAGTGGAACCTGGTGTGTGAGGAC[G>A]ACTGGAAGGCCCCACTCACAATCTCCTTGTTCTTCGTGGGTGTGCTGTTGGGCTCCTTCA-3'
Protein context (NP_003051.1, residues 129-149): VTEWNLVCED[Asp139Asn]WKAPLTISLF